The following is an entry in ClinVar:

ClinVar aggregate classification (germline): Uncertain significance. Review status: criteria provided, multiple submitters, no conflicts (2 of 4 stars). 3 submissions from 3 submitters: Uncertain significance (3). Last evaluated 2025-09-05.

Conditions:
Mitochondrial complex I deficiency, nuclear type 1. Also called: NADH-COENZYME Q REDUCTASE DEFICIENCY; MITOCHONDRIAL NADH DEHYDROGENASE COMPONENT OF COMPLEX I, DEFICIENCY OF. Identifiers: MedGen C6022305, MONDO:0100224, OMIM 252010.
Inborn genetic diseases. Identifiers: MedGen C0950123, MeSH D030342.

Allele frequency attached by ClinVar (database versions not stated): TOPMed 0.00003; ExAC 0.00004; gnomAD exomes 0.00004.

Submissions (3):

Ambry Genetics
Classification: Uncertain significance for Inborn genetic diseases. Last evaluated: 2025-09-05. Review status: criteria provided, single submitter. Criteria: Ambry Variant Classification Scheme 2023. Collection method: clinical testing. Allele origin: germline.

Mayo Clinic Laboratories, Mayo Clinic
Classification: Uncertain significance. Last evaluated: 2025-02-27. Review status: criteria provided, single submitter. Criteria: ACMG Guidelines, 2015. Collection method: clinical testing. Allele origin: germline. Observed: 1 variant allele.
Comment: PM2_supporting

Baylor Genetics
Classification: Uncertain significance for Mitochondrial complex I deficiency, nuclear type 1. Last evaluated: 2018-09-27. Review status: criteria provided, single submitter. Criteria: ACMG Guidelines, 2015. Collection method: clinical testing. Allele origin: paternal. Affected: yes.
Comment: This variant was determined to be of uncertain significance according to ACMG Guidelines, 2015 [PMID:25741868].

NM_007103.4(NDUFV1):c.1198G>A (p.Val400Met)

Genes: NDUFV1 (NADH:ubiquinone oxidoreductase core subunit V1; plus strand), LOC126861242 (CDK7 strongly-dependent group 2 enhancer GRCh37_chr11:67379204-67380403; plus strand). Cytogenetic location: 11q13.2.
Variant type: single nucleotide variant.
Coding change: c.1198G>A on transcript NM_007103.4 (MANE Select); coding-DNA position 1198, G replaced by A.
Protein change: p.Val400Met; replaces valine 400 with methionine.
Molecular consequence: missense variant.
Genome position (GRCh38, 1-based): chr11:67,612,155, G>A. VCF-style: chr11-67612155-G-A. GRCh37 (hg19) VCF-style: chr11-67379626-G-A.
Other names: p.Val400Met; c.1171G>A, p.Val391Met (NM_001166102.2); short protein forms V400M, V391M.
Identifiers: ClinVar variation 1034349 (VCV001034349.6), dbSNP rs774750411, ClinGen allele CA6143443.